The following is an entry in ClinVar:

ClinVar aggregate classification (germline): Uncertain significance (1 of 4 stars; one submission).

Submission:

Labcorp Genetics (formerly Invitae), Labcorp
Classification: Uncertain significance. Last evaluated: 2025-08-10. Review status: criteria provided, single submitter. Criteria: Invitae Variant Classification Sherloc (09022015). Collection method: clinical testing. Allele origin: germline.
Comment: This sequence change replaces glutamine, which is neutral and polar, with arginine, which is basic and polar, at codon 29 of the LOX protein (p.Gln29Arg). This variant is present in population databases (no rsID available, gnomAD 0.002%). This variant has not been reported in the literature in individuals affected with LOX-related conditions. ClinVar contains an entry for this variant (Variation ID: 2989254). An algorithm developed to predict the effect of missense changes on protein structure and function (PolyPhen-2) suggests that this variant is likely to be tolerated. In summary, the available evidence is currently insufficient to determine the role of this variant in disease. Therefore, it has been classified as a Variant of Uncertain Significance.

NM_002317.7(LOX):c.86_87delinsGA (p.Gln29Arg)

Genes: LOX (lysyl oxidase; minus strand), SRFBP1 (serum response factor binding protein 1; plus strand). Cytogenetic location: 5q23.1.
Variant type: Indel.
Coding change: c.86_87delinsGA on transcript NM_002317.7 (MANE Select); coding-DNA positions 86 to 87, AG replaced by GA.
Protein change: p.Gln29Arg; replaces glutamine 29 with arginine.
Molecular consequence: missense variant.
Genome position (GRCh38, 1-based): chr5:122,077,899-122,077,900, CT replaced by TC on the plus strand (AG replaced by GA on the coding strand, the reverse complement: LOX is on the minus strand). VCF-style: chr5-122077899-CT-TC. GRCh37 (hg19) VCF-style: chr5-121413594-CT-TC.
Other names: short protein forms Q29R.
Identifiers: ClinVar variation 2989254 (VCV002989254.3), dbSNP rs2532918340, ClinGen allele CA2740094065.